The following is an entry in ClinVar:

ClinVar aggregate classification (germline): Uncertain significance (1 of 4 stars; one submission).

Conditions:
Hypertrophic cardiomyopathy. Also called: HYPERTROPHIC MYOCARDIOPATHY. Identifiers: Orphanet 217569, MedGen C0007194, MeSH D002312, MONDO:0005045, HP:0001639.

Submission:

All of Us Research Program, National Institutes of Health
Classification: Uncertain significance for Hypertrophic cardiomyopathy. Last evaluated: 2024-07-20. Review status: criteria provided, single submitter. Criteria: ACMG Guidelines, 2015. Collection method: clinical testing. Allele origin: germline. Inheritance: Autosomal dominant inheritance. Observed: 1 variant allele, 1 heterozygote.
Comment: This missense variant replaces leucine with proline at codon 53 of the TNNI3 protein. Computational prediction suggests that this variant may have deleterious impact on protein structure and function (internally defined REVEL score threshold >= 0.7, PMID: 27666373). To our knowledge, functional studies have not been reported for this variant. This variant has not been reported in individuals affected with TNNI3-related disorders in the literature. This variant has not been identified in the general population by the Genome Aggregation Database (gnomAD). The available evidence is insufficient to determine the role of this variant in disease conclusively. Therefore, this variant is classified as a Variant of Uncertain Significance.

This study involves interpretation of variants in research participants for the purpose of population health screening. Participant phenotype was not available at the time of variant classification. Additional details can be found in publication PMID: 35346344, PMCID: PMC8962531

NM_000363.5(TNNI3):c.158T>C (p.Leu53Pro)

Gene: TNNI3 (troponin I3, cardiac type; minus strand). Cytogenetic location: 19q13.42.
Variant type: single nucleotide variant.
Coding change: c.158T>C on transcript NM_000363.5 (MANE Select); coding-DNA position 158, T replaced by C.
Protein change: p.Leu53Pro; replaces leucine 53 with proline.
Molecular consequence: missense variant.
Genome position (GRCh38, 1-based): chr19:55,156,325, A>G on the plus strand (T>C on the coding strand, the complement: TNNI3 is on the minus strand). VCF-style: chr19-55156325-A-G. GRCh37 (hg19) VCF-style: chr19-55667693-A-G.
Other names: short protein forms L53P.
Identifiers: ClinVar variation 3386104 (VCV003386104.1).